The following is an entry in ClinVar:

ClinVar aggregate classification (germline): Pathogenic (1 of 4 stars; one submission).

Submission:

Labcorp Genetics (formerly Invitae), Labcorp
Classification: Pathogenic. Last evaluated: 2022-08-08. Review status: criteria provided, single submitter. Criteria: Invitae Variant Classification Sherloc (09022015). Collection method: clinical testing. Allele origin: germline.
Comment: For these reasons, this variant has been classified as Pathogenic. This variant disrupts a region of the BEST1 protein in which other variant(s) (p.Leu134Val) have been determined to be pathogenic (PMID: 29507198, 32239196, 33302512). This suggests that this is a clinically significant region of the protein, and that variants that disrupt it are likely to be disease-causing. This variant has not been reported in the literature in individuals affected with BEST1-related conditions. This variant is a gross deletion of the genomic region encompassing exon(s) 3-9 of the BEST1 gene. This variant would be expected to be in-frame, preserving the integrity of the reading frame.

Literature cited by the submitters: PubMed 29507198; PubMed 32239196; PubMed 33302512.

NC_000011.9:g.(?_61722559)_(61727535_?)del

Gene: BEST1 (bestrophin 1; plus strand). Cytogenetic location: 11q12.3.
Variant type: Deletion.
Identifiers: ClinVar variation 2425030 (VCV002425030.4).